The following is an entry in ClinVar:

ClinVar aggregate classification (germline): Uncertain significance (1 of 4 stars; one submission).

Submission:

GeneDx
Classification: Uncertain significance. Last evaluated: 2025-02-04. Review status: criteria provided, single submitter. Criteria: GeneDx Variant Classification Process June 2021. Collection method: clinical testing. Allele origin: germline. Affected: yes.
Comment: Not observed at significant frequency in large population cohorts (gnomAD); In silico analysis indicates that this missense variant does not alter protein structure/function; Has not been previously published as pathogenic or benign to our knowledge

NM_001042545.2(LTBP4):c.2005G>T (p.Ala669Ser)

Gene: LTBP4 (latent transforming growth factor beta binding protein 4; plus strand). Cytogenetic location: 19q13.2.
Variant type: single nucleotide variant.
Coding change: c.2005G>T on transcript NM_001042545.2 (MANE Select); coding-DNA position 2005, G replaced by T.
Protein change: p.Ala669Ser; replaces alanine 669 with serine.
Molecular consequence: missense variant.
Genome position (GRCh38, 1-based): chr19:40,611,346, G>T. VCF-style: chr19-40611346-G-T. GRCh37 (hg19) VCF-style: chr19-41117252-G-T.
Other names: c.2206G>T, p.Ala736Ser (NM_001042544.1); c.2095G>T, p.Ala699Ser (NM_003573.2); short protein forms A669S, A699S, A736S.
Identifiers: ClinVar variation 4072806 (VCV004072806.1).
Genomic context (GRCh38, chr19:40,611,346, plus strand): 5'-CAGGAGCCGCCGCCCTGTGGGCCCGGCCGCTGTGACAACACGGCAGGCTCCTTTCACTGT[G>T]CCTGCCCTGCTGGCTTCCGCTCCCGAGGGCCCGGGGCCCCCTGCCAAGGTGAGGGTGCTG-3'
Protein context (NP_001036010.1, residues 659-679): CDNTAGSFHC[Ala669Ser]CPAGFRSRGP